The following is an entry in ClinVar:

NM_152594.3(SPRED1):c.*2885G>A

Gene: SPRED1 (sprouty related EVH1 domain containing 1; plus strand). Cytogenetic location: 15q14.
Variant type: single nucleotide variant.
Coding change: c.*2885G>A on transcript NM_152594.3 (MANE Select); 2885 bases downstream of the stop codon, G replaced by A.
Molecular consequence: 3 prime UTR variant.
Genome position (GRCh38, 1-based): chr15:38,354,549, G>A. VCF-style: chr15-38354549-G-A. GRCh37 (hg19) VCF-style: chr15-38646750-G-A.
Identifiers: ClinVar variation 315764 (VCV000315764.5), dbSNP rs79309779, ClinGen allele CA10641691.
Genomic context (GRCh38, chr15:38,354,549, plus strand): 5'-TATGTCGTGTGGAGCTTCAGCACCACCTACTGGATGATTTCCAGGCCAGAGACATGAGAT[G>A]GCAATAGGGATCTGACAGGGTTCATCACTACTACCATTAAAGGGCTATTTATGTGGTGAC-3'

ClinVar aggregate classification (germline): Likely benign (1 of 4 stars; one submission).

Conditions:
Legius syndrome. Identifiers: Orphanet 137605, MedGen C1969623, MONDO:0012669, OMIM 611431. Disease mechanism: loss of function.

Allele frequency attached by ClinVar (database versions not stated): 1000 Genomes Project 0.00379; 1000 Genomes Project 30x 0.00437; TOPMed 0.00944; gnomAD 0.01111 and 0.01137.

Submission:

Illumina Laboratory Services, Illumina
Classification: Likely benign for Legius syndrome. Last evaluated: 2018-01-13. Review status: criteria provided, single submitter. Criteria: ICSL Variant Classification Criteria 13 December 2019. Collection method: clinical testing. Allele origin: germline.
Comment: This variant was observed in the ICSL laboratory as part of a predisposition screen in an ostensibly healthy population. It had not been previously curated by ICSL or reported in the Human Gene Mutation Database (HGMD: prior to June 1st, 2018), and was therefore a candidate for classification through an automated scoring system. Utilizing variant allele frequency, disease prevalence and penetrance estimates, and inheritance mode, an automated score was calculated to assess if this variant is too frequent to cause the disease. Based on the score and internal cut-off values, a variant classified as likely benign is not then subjected to further curation. The score for this variant resulted in a classification of likely benign for this disease.